The following is an entry in ClinVar:

ClinVar aggregate classification (germline): Likely pathogenic (1 of 4 stars; one submission).

Conditions:
Neuronal ceroid lipofuscinosis 7 (CLN7). Also called: MFSD8-Related Neuronal Ceroid-Lipofuscinosis. Identifiers: Orphanet 168491, Orphanet 228366, MedGen C1838571, MONDO:0012588, OMIM 610951.

Submission:

Labcorp Genetics (formerly Invitae), Labcorp
Classification: Likely pathogenic for Neuronal ceroid lipofuscinosis 7. Last evaluated: 2024-02-24. Review status: criteria provided, single submitter. Criteria: Invitae Variant Classification Sherloc (09022015). Collection method: clinical testing. Allele origin: germline.
Comment: This sequence change affects an acceptor splice site in intron 4 of the MFSD8 gene. It is expected to disrupt RNA splicing. Variants that disrupt the donor or acceptor splice site typically lead to a loss of protein function (PMID: 16199547), and loss-of-function variants in MFSD8 are known to be pathogenic (PMID: 19177532, 25227500, 28586915). This variant is not present in population databases (gnomAD no frequency). This variant has not been reported in the literature in individuals affected with MFSD8-related conditions. ClinVar contains an entry for this variant (Variation ID: 938421). Algorithms developed to predict the effect of sequence changes on RNA splicing suggest that this variant may disrupt the consensus splice site. In summary, the currently available evidence indicates that the variant is pathogenic, but additional data are needed to prove that conclusively. Therefore, this variant has been classified as Likely Pathogenic.

Literature cited by the submitters: PubMed 16199547; PubMed 19177532; PubMed 25227500; PubMed 28586915.

NM_001371596.2(MFSD8):c.199-1G>C

Gene: MFSD8 (major facilitator superfamily domain containing 8; minus strand). Cytogenetic location: 4q28.2.
Variant type: single nucleotide variant.
Coding change: c.199-1G>C on transcript NM_001371596.2 (MANE Select); the canonical splice acceptor site of the intron before coding-DNA position 199, G replaced by C.
Molecular consequence: splice acceptor variant.
Genome position (GRCh38, 1-based): chr4:127,943,993, C>G on the plus strand (G>C on the coding strand, the complement: MFSD8 is on the minus strand). VCF-style: chr4-127943993-C-G. GRCh37 (hg19) VCF-style: chr4-128865148-C-G.
Other names: c.64-1G>C (NM_001371595.1, NM_001410765.1, NM_001371590.2); c.199-1G>C (NM_152778.4, NM_001363521.3, NM_001410766.1 and 5 more transcripts).
Identifiers: ClinVar variation 938421 (VCV000938421.9), dbSNP rs1449062348, ClinGen allele CA358177210.